The following is an entry in ClinVar:

ClinVar aggregate classification (germline): Pathogenic. Review status: criteria provided, single submitter (1 of 4 stars). 2 submissions from 2 submitters: Pathogenic (1). 1 of the submissions does not count toward it. Last evaluated 2018-12-07.

Conditions:
Tuberous sclerosis 2 (TSC2). Identifiers: Orphanet 805, MedGen C1860707, MONDO:0013199, OMIM 613254.
Tuberous sclerosis syndrome (TSC). Also called: Tuberous Sclerosis Complex; Tuberous sclerosis. Identifiers: Orphanet 805, MedGen C0041341, MONDO:0001734.

Submissions (2):

Labcorp Genetics (formerly Invitae), Labcorp
Classification: Pathogenic for Tuberous sclerosis 2. Last evaluated: 2018-12-07. Review status: criteria provided, single submitter. Criteria: Invitae Variant Classification Sherloc (09022015). Collection method: clinical testing. Allele origin: germline.
Comment: Loss-of-function variants in TSC2 are known to be pathogenic (PMID: 10205261, 17304050). For these reasons, this variant has been classified as Pathogenic. This variant has been reported in individuals in the Leiden Open-source Variation Database (PMID: 21520333). ClinVar contains an entry for this variant (Variation ID: 49831). This variant is not present in population databases (ExAC no frequency). This sequence change creates a premature translational stop signal (p.Pro1458Alafs*66) in the TSC2 gene. It is expected to result in an absent or disrupted protein product.

Tuberous sclerosis database (TSC2)
No classification provided. Condition: TSC. Review status: no classification provided. Criteria: Tuberous Sclerosis Database Assertion Criteria 2015. Collection method: curation. Allele origin: germline. Affected: yes. Not counted in ClinVar's aggregate classification.

Literature cited by the submitters: PubMed 10205261 (cited by Labcorp Genetics (formerly Invitae), Labcorp); PubMed 17304050 (cited by Labcorp Genetics (formerly Invitae), Labcorp); PubMed 21520333 (cited by Labcorp Genetics (formerly Invitae), Labcorp).

NM_000548.5(TSC2):c.4371dup (p.Pro1458fs)

Gene: TSC2 (TSC complex subunit 2; plus strand). Cytogenetic location: 16p13.3.
Variant type: Duplication.
Coding change: c.4371dup on transcript NM_000548.5 (MANE Select); coding-DNA position 4371, one base duplicated (G; older notation c.4371dupG).
Protein change: p.Pro1458fs; shifts the reading frame from proline 1458.
Molecular consequence: frameshift variant.
Genome position (GRCh38, 1-based): chr16:2,084,593, G duplicated; the last of 2 consecutive G bases (chr16:2,084,592-2,084,593); duplicating either gives the same sequence. VCF-style (leftmost placement, unchanged base first): chr16-2084591-C-CG. GRCh37 (hg19) VCF-style: chr16-2134592-C-CG.
Other names: c.4170dup, p.Pro1391fs (NM_001077183.3); c.4302dup, p.Pro1435fs (NM_001114382.3); c.4062dup, p.Pro1355fs (NM_001318827.2); c.4026dup, p.Pro1343fs (NM_001318829.2); c.3639dup, p.Pro1214fs (NM_001318831.2); c.4203dup, p.Pro1402fs (NM_001318832.2); c.4173dup, p.Pro1392fs (NM_001363528.2); c.4239dup, p.Pro1414fs (NM_001370404.1); and 1 more; short protein forms P1343fs, P1458fs, P1214fs, P1355fs, P1391fs, P1392fs, P1402fs, P1435fs.
Identifiers: ClinVar variation 49831 (VCV000049831.10), dbSNP rs137854046, ClinGen allele CA020345.